The following is an entry in ClinVar:

NM_017617.5(NOTCH1):c.6375C>T (p.His2125=)

Gene: NOTCH1 (notch receptor 1; minus strand). Cytogenetic location: 9q34.3.
Variant type: single nucleotide variant.
Coding change: c.6375C>T on transcript NM_017617.5 (MANE Select); coding-DNA position 6375, C replaced by T.
Protein change: p.His2125=; no amino-acid change (histidine 2125 retained).
Molecular consequence: synonymous variant.
Genome position (GRCh38, 1-based): chr9:136,497,364, G>A on the plus strand (C>T on the coding strand, the complement: NOTCH1 is on the minus strand). VCF-style: chr9-136497364-G-A. GRCh37 (hg19) VCF-style: chr9-139391816-G-A.
Other names: c.6375C>T, p.His2125= (LRG_1122t1).
Identifiers: ClinVar variation 391273 (VCV000391273.16), dbSNP rs369009290, ClinGen allele CA5339920.

ClinVar aggregate classification (germline): Benign/Likely benign. Review status: criteria provided, multiple submitters, no conflicts (2 of 4 stars). 7 submissions from 6 submitters: Benign (4); Likely benign (3). Last evaluated 2025-11-26.

Conditions:
Adams-Oliver syndrome 5 (AOS5). Identifiers: Orphanet 974, MedGen C4014970, MONDO:0014459, OMIM 616028.
Aortic valve disease 1 (AOVD1). Identifiers: MedGen C3887892, MONDO:0024523, OMIM 109730.
Familial thoracic aortic aneurysm and aortic dissection (TAAD). Also called: Thoracic aortic aneurysms and dissections. Identifiers: Orphanet 91387, MedGen C4707243, MONDO:0019625.

Allele frequency attached by ClinVar (database versions not stated): ESP Exome Variant Server 0.00008; TOPMed 0.00010.
gnomAD v4.1: 237 of 1,607,066 alleles (0.015%); highest among the groups gnomAD compares: South Asian, 0.16%; no homozygotes.

Submissions (7):

Labcorp Genetics (formerly Invitae), Labcorp
Classification: Benign for Adams-Oliver syndrome 5. Last evaluated: 2025-11-26. Review status: criteria provided, single submitter. Criteria: Invitae Variant Classification Sherloc (09022015). Collection method: clinical testing. Allele origin: germline.

Blueprint Genetics
Classification: Likely benign. Last evaluated: 2023-07-19. Review status: criteria provided, single submitter. Criteria: ACMG Guidelines, 2015. Collection method: clinical testing. Allele origin: germline.

Genome-Nilou Lab
Classification: Benign for Adams-Oliver syndrome 5. Last evaluated: 2022-03-15. Review status: criteria provided, single submitter. Criteria: ACMG Guidelines, 2015. Collection method: clinical testing. Allele origin: germline. Affected: no.

Genome-Nilou Lab
Classification: Benign for Aortic valve disease 1. Last evaluated: 2022-03-15. Review status: criteria provided, single submitter. Criteria: ACMG Guidelines, 2015. Collection method: clinical testing. Allele origin: germline. Affected: no.

Ambry Genetics
Classification: Likely benign for Familial thoracic aortic aneurysm and aortic dissection. Last evaluated: 2020-03-16. Review status: criteria provided, single submitter. Criteria: Ambry Variant Classification Scheme 2023. Collection method: clinical testing. Allele origin: germline.

CHEO Genetics Diagnostic Laboratory, Children's Hospital of Eastern Ontario
Classification: Benign for Familial thoracic aortic aneurysm and aortic dissection. Last evaluated: 2017-11-27. Review status: criteria provided, single submitter. Criteria: ACMG Guidelines, 2015. Collection method: clinical testing. Allele origin: germline.

GeneDx
Classification: Likely benign. Last evaluated: 2016-12-05. Review status: criteria provided, single submitter. Criteria: GeneDx Variant Classification (06012015). Collection method: clinical testing. Allele origin: germline. Affected: yes.
Comment: This variant is considered likely benign or benign based on one or more of the following criteria: it is a conservative change, it occurs at a poorly conserved position in the protein, it is predicted to be benign by multiple in silico algorithms, and/or has population frequency not consistent with disease.